The following is an entry in ClinVar:

NM_000212.3(ITGB3):c.473A>G (p.Gln158Arg)

Gene: ITGB3 (integrin subunit beta 3; plus strand). Cytogenetic location: 17q21.32.
Variant type: single nucleotide variant.
Coding change: c.473A>G on transcript NM_000212.3 (MANE Select); coding-DNA position 473, A replaced by G.
Protein change: p.Gln158Arg; replaces glutamine 158 with arginine.
Molecular consequence: missense variant.
Genome position (GRCh38, 1-based): chr17:47,284,554, A>G. VCF-style: chr17-47284554-A-G. GRCh37 (hg19) VCF-style: chr17-45361920-A-G.
Other names: NM_000212.3:c.473A>G; short protein forms Q158R.
Identifiers: ClinVar variation 2181112 (VCV002181112.6), dbSNP rs748901429, ClinGen allele CA8622965.
Genomic context (GRCh38, chr17:47,284,554, plus strand): 5'-TGGACATCTACTACTTGATGGACCTGTCTTACTCCATGAAGGATGATCTGTGGAGCATCC[A>G]GAACCTGGGTACCAAGCTGGCCACCCAGATGCGAAAGCTCACCAGTAACCTGCGGATTGG-3'
Protein context (NP_000203.2, residues 148-168): YSMKDDLWSI[Gln158Arg]NLGTKLATQM

ClinVar aggregate classification (germline): Uncertain significance. Review status: reviewed by expert panel (3 of 4 stars). 2 submissions from 2 submitters: Uncertain significance (1). 1 of the submissions does not count toward it. Last evaluated 2026-02-05.

Conditions:
Glanzmann thrombasthenia. Also called: THROMBASTHENIA OF GLANZMANN AND NAEGELI; PLATELET GLYCOPROTEIN IIb-IIIa DEFICIENCY; Thrombasthenia; Glanzmann's thrombasthenia. Identifiers: Orphanet 849, MedGen C0040015, MONDO:0100326.

Allele frequency attached by ClinVar (database versions not stated): TOPMed below 0.00001; ExAC 0.00001; gnomAD 0.00001; gnomAD exomes 0.00001.
gnomAD v4.1: 5 of 1,614,112 alleles (0.00031%); highest among the groups gnomAD compares: Non-Finnish European, 0.00042%; no homozygotes.

Submissions (2):

ClinGen Platelet Disorders Variant Curation Expert Panel, ClinGen
Classification: Uncertain significance for Glanzmann thrombasthenia. Last evaluated: 2026-02-05. Review status: reviewed by expert panel. Criteria: ClinGen Platelet ACMG Specifications v2-1. Collection method: curation. Allele origin: germline. Inheritance: Autosomal recessive inheritance.
Comment: The NM_000212.3(ITGB3):c.473A>G (p.Gln158Arg) missense variant was detected in an individual without GT who was heterozygous for this variant, where it resulted in the Woa human platelet alloantigen (PMID: 31859394). This variant is reported in gnomAD v4.1 in the non-Finnish European population with a MAF of 0.000004237 (5/1180044). This MAF is less than the 0.0001 MAF established by the PD VCEP to assign this code (PM2_Supporting). In summary, this variant meets the criteria to be classified as uncertain significance for autosomal recessive Glanzmann Thrombasthenia based on the ACMG/AMP criteria applied, as specified by the ClinGen PD VCEP: PM2_supporting (VCEP specifications version 2.1).

Labcorp Genetics (formerly Invitae), Labcorp
Classification: Uncertain significance. Last evaluated: 2022-02-22. Review status: criteria provided, single submitter. Criteria: Invitae Variant Classification Sherloc (09022015). Collection method: clinical testing. Allele origin: germline. Not counted in ClinVar's aggregate classification.
Comment: This sequence change replaces glutamine, which is neutral and polar, with arginine, which is basic and polar, at codon 158 of the ITGB3 protein (p.Gln158Arg). In summary, the available evidence is currently insufficient to determine the role of this variant in disease. Therefore, it has been classified as a Variant of Uncertain Significance. Algorithms developed to predict the effect of missense changes on protein structure and function output the following: SIFT: "Tolerated"; PolyPhen-2: "Benign"; Align-GVGD: "Class C0". The arginine amino acid residue is found in multiple mammalian species, which suggests that this missense change does not adversely affect protein function. This missense change has been observed in individual(s) with clinical features of fetal-neonatal alloimmune thrombocytopenia (PMID: 31859394). This variant is present in population databases (rs748901429, gnomAD 0.0009%).

Literature cited by the submitters: PubMed 31859394 (cited by Labcorp Genetics (formerly Invitae), Labcorp).